The following is an entry in ClinVar:

NM_003072.5(SMARCA4):c.4700A>T (p.Glu1567Val)

Gene: SMARCA4 (SWI/SNF related BAF chromatin remodeling complex subunit ATPase 4; plus strand). Cytogenetic location: 19p13.2.
Variant type: single nucleotide variant.
Coding change: c.4700A>T on transcript NM_003072.5 (MANE Select); coding-DNA position 4700, A replaced by T.
Protein change: p.Glu1567Val; replaces glutamic acid 1567 with valine.
Molecular consequence: missense variant. On other transcripts: non-coding transcript variant (1).
Genome position (GRCh38, 1-based): chr19:11,059,817, A>T. VCF-style: chr19-11059817-A-T. GRCh37 (hg19) VCF-style: chr19-11170493-A-T.
Other names: c.4700A>T, p.Glu1567Val (NM_001128844.3); c.4610A>T, p.Glu1537Val (NM_001128845.2); c.4607A>T, p.Glu1536Val (NM_001128846.2); c.4601A>T, p.Glu1534Val (NM_001128847.4, NM_001374457.1); c.4598A>T, p.Glu1533Val (NM_001128848.2); c.4796A>T, p.Glu1599Val (NM_001128849.3, NM_001387283.1); c.4697A>T, p.Glu1566Val (NM_001411150.1); short protein forms E1533V, E1534V, E1566V, E1567V, E1536V, E1537V, E1599V.
Identifiers: ClinVar variation 1743132 (VCV001743132.5), dbSNP rs1310082332, ClinGen allele CA404079443.

ClinVar aggregate classification (germline): Uncertain significance. Review status: criteria provided, multiple submitters, no conflicts (2 of 4 stars). 2 submissions from 2 submitters: Uncertain significance (2). Last evaluated 2024-07-26.

Conditions:
Hereditary cancer-predisposing syndrome. Also called: Hereditary Cancer Syndrome; Neoplastic Syndromes, Hereditary; Tumor predisposition; Hereditary neoplastic syndrome. Identifiers: Orphanet 140162, MedGen C0027672, MeSH D009386, MONDO:0015356.
Rhabdoid tumor predisposition syndrome 2 (RTPS2). Identifiers: Orphanet 231108, Orphanet 69077, MedGen C2750074, MONDO:0013224, OMIM 613325.

Submissions (2):

Labcorp Genetics (formerly Invitae), Labcorp
Classification: Uncertain significance for Rhabdoid tumor predisposition syndrome 2. Last evaluated: 2024-07-26. Review status: criteria provided, single submitter. Criteria: Invitae Variant Classification Sherloc (09022015). Collection method: clinical testing. Allele origin: germline.
Comment: This sequence change replaces glutamic acid, which is acidic and polar, with valine, which is neutral and non-polar, at codon 1599 of the SMARCA4 protein (p.Glu1599Val). This variant is not present in population databases (gnomAD no frequency). This variant has not been reported in the literature in individuals affected with SMARCA4-related conditions. ClinVar contains an entry for this variant (Variation ID: 1743132). Advanced modeling of protein sequence and biophysical properties (such as structural, functional, and spatial information, amino acid conservation, physicochemical variation, residue mobility, and thermodynamic stability) has been performed at Invitae for this missense variant, however the output from this modeling did not meet the statistical confidence thresholds required to predict the impact of this variant on SMARCA4 protein function. In summary, the available evidence is currently insufficient to determine the role of this variant in disease. Therefore, it has been classified as a Variant of Uncertain Significance.

Ambry Genetics
Classification: Uncertain significance for Hereditary cancer-predisposing syndrome. Last evaluated: 2022-10-11. Review status: criteria provided, single submitter. Criteria: Ambry Variant Classification Scheme 2023. Collection method: clinical testing. Allele origin: germline.
Comment: The p.E1599V variant (also known as c.4796A>T), located in coding exon 33 of the SMARCA4 gene, results from an A to T substitution at nucleotide position 4796. The glutamic acid at codon 1599 is replaced by valine, an amino acid with dissimilar properties. This amino acid position is highly conserved in available vertebrate species. In addition, this alteration is predicted to be tolerated by in silico analysis. Missense and in-frame variants in SMARCA4 are known to cause neurodevelopmental disorders; however, such associations with rhabdoid tumor predisposition syndrome including small cell carcinoma of the ovary-hypercalcemic type (SCCOHT) are exceedingly rare (Kosho T et al. Am J Med Genet C Semin Med Genet. 2014 Sep;166C(3):262-75; Jelinic P et al. Nat Genet. 2014 May;46(5):424-6). Based on the supporting evidence, the association of this alteration with Coffin-Siris syndrome is unknown; however, the association of this alteration with rhabdoid tumor predisposition syndrome is unlikely.